The following is an entry in ClinVar:

NM_014000.3(VCL):c.240-5dup

Gene: VCL (vinculin; plus strand). Cytogenetic location: 10q22.2.
Variant type: Duplication.
Coding change: c.240-5dup on transcript NM_014000.3 (MANE Select); 5 bases into the intron before coding-DNA position 240, one base duplicated (T; older notation c.240-5dupT).
Molecular consequence: intron variant.
Genome position (GRCh38, 1-based): chr10:74,070,665, T duplicated. VCF-style (leftmost placement, unchanged base first): chr10-74070664-C-CT. GRCh37 (hg19) VCF-style: chr10-75830422-C-CT.
Other names: c.240-5dup (NM_003373.4); c.240-5dupT (NM_014000.2).
Identifiers: ClinVar variation 1087773 (VCV001087773.11), dbSNP rs779228327, ClinGen allele CA5562740.

ClinVar aggregate classification (germline): Likely benign. Review status: criteria provided, multiple submitters, no conflicts (2 of 4 stars). 3 submissions from 3 submitters: Likely benign (2). 1 of the submissions does not count toward it. Last evaluated 2025-02-12.

Conditions:
VCL-related disorder. Also called: VCL-related condition.
Dilated cardiomyopathy 1W (CMD1W). Identifiers: Orphanet 154, MedGen C1969639, MONDO:0012667, OMIM 611407.

Allele frequency attached by ClinVar (database versions not stated): gnomAD 0.00002; gnomAD exomes 0.00003 and 0.00005; ExAC 0.00005; 1000 Genomes Project 30x 0.00016.

Submissions (3):

Labcorp Genetics (formerly Invitae), Labcorp
Classification: Likely benign for Dilated cardiomyopathy 1W. Last evaluated: 2025-02-12. Review status: criteria provided, single submitter. Criteria: Invitae Variant Classification Sherloc (09022015). Collection method: clinical testing. Allele origin: germline.

Blueprint Genetics
Classification: Likely benign. Last evaluated: 2022-08-29. Review status: criteria provided, single submitter. Criteria: ACMG Guidelines, 2015. Collection method: clinical testing. Allele origin: germline.

PreventionGenetics, part of Exact Sciences
Classification: Likely benign for VCL-related condition. Last evaluated: 2019-04-12. Review status: no assertion criteria provided. Collection method: clinical testing. Allele origin: germline. Not counted in ClinVar's aggregate classification.
Comment: This variant is classified as likely benign based on ACMG/AMP sequence variant interpretation guidelines (Richards et al. 2015 PMID: 25741868, with internal and published modifications).